The following is an entry in ClinVar:

NM_032043.3(BRIP1):c.1341-227T>G

Gene: BRIP1 (BRCA1 interacting DNA helicase 1; minus strand). Cytogenetic location: 17q23.2.
Variant type: single nucleotide variant.
Coding change: c.1341-227T>G on transcript NM_032043.3 (MANE Select); 227 bases into the intron before coding-DNA position 1341, T replaced by G.
Molecular consequence: intron variant.
Genome position (GRCh38, 1-based): chr17:61,793,956, A>C on the plus strand (T>G on the coding strand, the complement: BRIP1 is on the minus strand). VCF-style: chr17-61793956-A-C. GRCh37 (hg19) VCF-style: chr17-59871317-A-C.
Identifiers: ClinVar variation 4867928 (VCV004867928.1).

ClinVar aggregate classification (germline): Uncertain significance (1 of 4 stars; one submission).

Conditions:
Hereditary cancer-predisposing syndrome. Also called: Neoplastic Syndromes, Hereditary; Tumor predisposition; Hereditary Cancer Syndrome; Hereditary neoplastic syndrome. Identifiers: Orphanet 140162, MedGen C0027672, MeSH D009386, MONDO:0015356.

Submission:

Ambry Genetics
Classification: Uncertain significance for Hereditary cancer-predisposing syndrome. Last evaluated: 2026-05-15. Review status: criteria provided, single submitter. Criteria: Ambry Variant Classification Scheme 2023. Collection method: clinical testing. Allele origin: germline.
Comment: The c.1341-227T>G intronic variant results from a T to G substitution 227 nucleotides upstream from coding exon 9 in the BRIP1 gene. This nucleotide position is well conserved in available vertebrate species. In silico splice site analysis predicts that this alteration will result in the creation or strengthening of a novel splice donor site; however, direct evidence is insufficient at this time (Ambry internal data). Based on the available evidence, the clinical significance of this variant remains unclear.